The following is an entry in ClinVar:

ClinVar aggregate classification (germline): Pathogenic. Review status: criteria provided, multiple submitters, no conflicts (2 of 4 stars). 2 submissions from 2 submitters: Pathogenic (2). Last evaluated 2025-04-07.

Conditions:
Galactosylceramide beta-galactosidase deficiency. Also called: Leukodystrophy, Globoid Cell; Krabbe Disease; GALACTOCEREBROSIDASE DEFICIENCY; GALC DEFICIENCY; GLOBOID CELL LEUKOENCEPHALOPATHY. Identifiers: Orphanet 487, MedGen C0023521, MONDO:0009499, OMIM 245200.

Submissions (2):

Myriad Genetics, Inc.
Classification: Pathogenic for Galactosylceramide beta-galactosidase deficiency. Last evaluated: 2025-04-07. Review status: criteria provided, single submitter. Criteria: Myriad Autosomal Dominant, Autosomal Recessive and X-Linked Classification Criteria (2023). Collection method: clinical testing. Allele origin: unknown.
Comment: NM_000153.3(GALC):c.1531delA(T511Lfs*42) is expected to be pathogenic in the context of Krabbe disease. This variant is predicted to lead to an abnormal or absent protein product due to the creation of a premature termination codon in GALC, a gene where loss-of-function variants are known to be pathogenic. Please note: this variant was assessed in the context of healthy population screening.

Revvity Omics, Revvity
Classification: Pathogenic. Last evaluated: 2020-02-21. Review status: criteria provided, single submitter. Criteria: ACMG Guidelines, 2015. Collection method: clinical testing. Allele origin: germline.

NM_000153.4(GALC):c.1531del (p.Thr511fs)

Gene: GALC (galactosylceramidase; minus strand). Cytogenetic location: 14q31.3.
Variant type: Deletion.
Coding change: c.1531del on transcript NM_000153.4 (MANE Select); coding-DNA position 1531, one base deleted (A; older notation c.1531delA).
Protein change: p.Thr511fs; shifts the reading frame from threonine 511.
Molecular consequence: frameshift variant.
Genome position (GRCh38, 1-based): chr14:87,945,692, T deleted on the plus strand (A on the coding strand, the reverse complement: GALC is on the minus strand); the first of 3 consecutive T bases (chr14:87,945,692-87,945,694); deleting any one gives the same sequence. VCF-style (leftmost placement, unchanged base first): chr14-87945691-GT-G. GRCh37 (hg19) VCF-style: chr14-88412035-GT-G.
Other names: c.1462del, p.Thr488fs (NM_001201401.2); c.1453del, p.Thr485fs (NM_001201402.2); short protein forms T485fs, T488fs, T511fs.
Identifiers: ClinVar variation 1322975 (VCV001322975.5), dbSNP rs2139951585, ClinGen allele CA2573053947.